The following is an entry in ClinVar:

NR_199791.1(RNU2-2):n.132C>T

Genes: RNU2-2 (RNA, U2 small nuclear 2; minus strand), WDR74 (WD repeat domain 74; minus strand). Cytogenetic location: 11q12.3.
Variant type: single nucleotide variant.
Molecular consequence: non-coding transcript variant (on NR_199791.1). On other transcripts: 5 prime UTR variant (1).
Genome position: GRCh38 VCF-style: chr11-62841678-G-A. GRCh37 (hg19) VCF-style: chr11-62609150-G-A.
Other names: c.-407C>T (NM_001369451.1).
Identifiers: ClinVar variation 4540520 (VCV004540520.1).

ClinVar aggregate classification (germline): Uncertain significance (1 of 4 stars; one submission).

Submission:

Institute for Human Genetics, University Hospital Essen
Classification: Uncertain significance. Last evaluated: 2025-11-27. Review status: criteria provided, single submitter. Criteria: Submitter's publication. Collection method: clinical testing. Allele origin: inherited. Inheritance: Autosomal unknown. Affected: yes. Observed: 1 variant allele, 1 compound heterozygote.
Comment: PM1_supp, PM3, PP1_mod (criteria rationale detailed in Leitão et al. Nature Genetics 2026)